The following is an entry in ClinVar:

ClinVar aggregate classification (germline): Uncertain significance (1 of 4 stars; one submission).

Conditions:
PRPH2-related disorder. Also called: PRPH2-related disorders; PRPH2-related condition. Identifiers: MedGen CN239395.

gnomAD v4.1: 2 of 1,610,486 alleles (0.00012%); highest among the groups gnomAD compares: South Asian, 0.0022%; no homozygotes.

Submission:

Labcorp Genetics (formerly Invitae), Labcorp
Classification: Uncertain significance for PRPH2-related disorder. Last evaluated: 2024-06-16. Review status: criteria provided, single submitter. Criteria: Invitae Variant Classification Sherloc (09022015). Collection method: clinical testing. Allele origin: germline.
Comment: This sequence change replaces methionine, which is neutral and non-polar, with threonine, which is neutral and polar, at codon 262 of the PRPH2 protein (p.Met262Thr). This variant is not present in population databases (gnomAD no frequency). This variant has not been reported in the literature in individuals affected with PRPH2-related conditions. Advanced modeling of protein sequence and biophysical properties (such as structural, functional, and spatial information, amino acid conservation, physicochemical variation, residue mobility, and thermodynamic stability) performed at Invitae indicates that this missense variant is expected to disrupt PRPH2 protein function with a positive predictive value of 95%. In summary, the available evidence is currently insufficient to determine the role of this variant in disease. Therefore, it has been classified as a Variant of Uncertain Significance.

NM_000322.5(PRPH2):c.785T>C (p.Met262Thr)

Gene: PRPH2 (peripherin 2; minus strand). Cytogenetic location: 6p21.1.
Variant type: single nucleotide variant.
Coding change: c.785T>C on transcript NM_000322.5 (MANE Select); coding-DNA position 785, T replaced by C.
Protein change: p.Met262Thr; replaces methionine 262 with threonine.
Molecular consequence: missense variant.
Genome position (GRCh38, 1-based): chr6:42,704,408, A>G on the plus strand (T>C on the coding strand, the complement: PRPH2 is on the minus strand). VCF-style: chr6-42704408-A-G. GRCh37 (hg19) VCF-style: chr6-42672146-A-G.
Other names: short protein forms M262T.
Identifiers: ClinVar variation 3604979 (VCV003604979.2).